The following is an entry in ClinVar:

ClinVar aggregate classification (germline): Conflicting classifications of pathogenicity. Review status: criteria provided, conflicting classifications (1 of 4 stars). 3 submissions from 3 submitters: Pathogenic (1); Uncertain significance (1). 1 of the submissions does not count toward it. Last evaluated 2026-06-23.

Conditions:
Hereditary cancer-predisposing syndrome. Also called: Neoplastic Syndromes, Hereditary; Tumor predisposition; Hereditary Cancer Syndrome; Hereditary neoplastic syndrome. Identifiers: Orphanet 140162, MedGen C0027672, MeSH D009386, MONDO:0015356.
Paediatric disorders.
Neurodevelopmental disorder. Identifiers: MedGen C1535926, MeSH D065886, MONDO:0700092.

Submissions (3):

Ambry Genetics
Classification: Uncertain significance for Hereditary cancer-predisposing syndrome. Last evaluated: 2026-06-23. Review status: criteria provided, single submitter. Criteria: Ambry Variant Classification Scheme 2023. Collection method: clinical testing. Allele origin: germline.
Comment: The p.C91G variant (also known as c.271T>G), located in coding exon 5 of the BAP1 gene, results from a T to G substitution at nucleotide position 271. The cysteine at codon 91 is replaced by glycine, an amino acid with highly dissimilar properties. This alteration was non-functional in a high throughput genome editing haploid cell survival functional assay (Waters AJ et al. Nat Genet, 2024 Jul;56:1434-1445). (Waters AJ et al. Nat Genet, 2024 Jul;56:1434-1445). This amino acid position is highly conserved in available vertebrate species. In addition, this alteration is predicted to be deleterious by in silico analysis. Based on the available evidence, the clinical significance of this variant remains unclear.

NHS Central & South Genomic Laboratory Hub
Classification: Pathogenic for Paediatric disorders. Last evaluated: 2026-04-22. Review status: criteria provided, single submitter. Criteria: ACMG Guidelines, 2015. Collection method: clinical testing. Allele origin: germline. Affected: yes.

Laboratory of Molecular Genetics (Pr. Bezieau's lab), CHU de Nantes
Classification: Pathogenic for Neurodevelopmental disorder. Last evaluated: 2021-06-22. Review status: no assertion criteria provided. Collection method: research. Allele origin: de novo. Affected: yes. Not counted in ClinVar's aggregate classification.

Literature cited by the submitters: PubMed 38969833 (cited by Ambry Genetics).

NM_004656.4(BAP1):c.271T>G (p.Cys91Gly)

Gene: BAP1 (BRCA1 associated deubiquitinase 1; minus strand). Cytogenetic location: 3p21.1.
Variant type: single nucleotide variant.
Coding change: c.271T>G on transcript NM_004656.4 (MANE Select); coding-DNA position 271, T replaced by G.
Protein change: p.Cys91Gly; replaces cysteine 91 with glycine.
Molecular consequence: missense variant.
Genome position (GRCh38, 1-based): chr3:52,408,062, A>C on the plus strand (T>G on the coding strand, the complement: BAP1 is on the minus strand). VCF-style: chr3-52408062-A-C. GRCh37 (hg19) VCF-style: chr3-52442078-A-C.
Other names: short protein forms C91G.
Identifiers: ClinVar variation 1173082 (VCV001173082.5), dbSNP rs1705222655, ClinGen allele CA353112613.